The following is an entry in ClinVar:

NM_000512.5(GALNS):c.269G>A (p.Arg90Gln)

Gene: GALNS (galactosamine (N-acetyl)-6-sulfatase; minus strand). Cytogenetic location: 16q24.3.
Variant type: single nucleotide variant.
Coding change: c.269G>A on transcript NM_000512.5 (MANE Select); coding-DNA position 269, G replaced by A.
Protein change: p.Arg90Gln; replaces arginine 90 with glutamine.
Molecular consequence: missense variant. On other transcripts: 5 prime UTR variant (1).
Genome position (GRCh38, 1-based): chr16:88,841,947, C>T on the plus strand (G>A on the coding strand, the complement: GALNS is on the minus strand). VCF-style: chr16-88841947-C-T. GRCh37 (hg19) VCF-style: chr16-88908355-C-T.
Other names: c.-287G>A (NM_001323543.2); c.287G>A, p.Arg96Gln (NM_001323544.2); c.269G>A (NM_000512.4); short protein forms R90Q, R96Q.
Identifiers: ClinVar variation 1525566 (VCV001525566.8), dbSNP rs754731091, ClinGen allele CA8235222.

ClinVar aggregate classification (germline): Conflicting classifications of pathogenicity. Review status: criteria provided, conflicting classifications (1 of 4 stars). 2 submissions from 2 submitters: Likely pathogenic (1); Uncertain significance (1). Last evaluated 2024-04-05.

Conditions:
Mucopolysaccharidosis, MPS-IV-A (MPS4A). Also called: mucopolysaccharidosis type 4A; Morquio syndrome A, mild; MORQUIO SYNDROME A; GALACTOSAMINE-6-SULFATASE DEFICIENCY; GALNS DEFICIENCY; MORQUIO A DISEASE. Identifiers: Orphanet 309297, Orphanet 582, MedGen C0086651, MONDO:0009659, OMIM 253000.

Allele frequency attached by ClinVar (database versions not stated): gnomAD exomes 0.00001 and 0.00002; ExAC 0.00002; gnomAD 0.00002 and 0.00003; TOPMed 0.00003.
gnomAD v4.1: 18 of 1,613,334 alleles (0.0011%); highest among the groups gnomAD compares: African/African-American, 0.004%; no homozygotes.

Submissions (2):

Labcorp Genetics (formerly Invitae), Labcorp
Classification: Likely pathogenic for Mucopolysaccharidosis, MPS-IV-A. Last evaluated: 2024-04-05. Review status: criteria provided, single submitter. Criteria: Invitae Variant Classification Sherloc (09022015). Collection method: clinical testing. Allele origin: germline.
Comment: This sequence change replaces arginine, which is basic and polar, with glutamine, which is neutral and polar, at codon 90 of the GALNS protein (p.Arg90Gln). This variant is present in population databases (rs754731091, gnomAD 0.004%). This variant has not been reported in the literature in individuals affected with GALNS-related conditions. ClinVar contains an entry for this variant (Variation ID: 1525566). Advanced modeling of protein sequence and biophysical properties (such as structural, functional, and spatial information, amino acid conservation, physicochemical variation, residue mobility, and thermodynamic stability) performed at Invitae indicates that this missense variant is expected to disrupt GALNS protein function with a positive predictive value of 95%. This variant disrupts the p.Arg90 amino acid residue in GALNS. Other variant(s) that disrupt this residue have been determined to be pathogenic (PMID: 7633425, 27331011, 30458289). This suggests that this residue is clinically significant, and that variants that disrupt this residue are likely to be disease-causing. In summary, the currently available evidence indicates that the variant is pathogenic, but additional data are needed to prove that conclusively. Therefore, this variant has been classified as Likely Pathogenic.

Women's Health and Genetics/Laboratory Corporation of America, LabCorp
Classification: Uncertain significance. Last evaluated: 2023-07-26. Review status: criteria provided, single submitter. Criteria: LabCorp Variant Classification Summary - May 2015. Collection method: clinical testing. Allele origin: germline.
Comment: Variant summary: GALNS c.269G>A (p.Arg90Gln) results in a conservative amino acid change located in the Sulfatase, N-terminal domain (IPR000917) of the encoded protein sequence. Four of five in-silico tools predict a damaging effect of the variant on protein function. The variant allele was found at a frequency of 1.6e-05 in 247392 control chromosomes (gnomAD). The available data on variant occurrences in the general population are insufficient to allow any conclusion about variant significance. To our knowledge, no occurrence of c.269G>A in individuals affected with Mucopolysaccharidosis Type IVA (Morquio Syndrome A) and no experimental evidence demonstrating its impact on protein function have been reported. One submitter has cited clinical-significance assessments for this variant to ClinVar after 2014 and has classified the variant as likely pathogenic. Based on the evidence outlined above, the variant was classified as uncertain significance.

Literature cited by the submitters: PubMed 7633425 (cited by Labcorp Genetics (formerly Invitae), Labcorp); PubMed 27331011 (cited by Labcorp Genetics (formerly Invitae), Labcorp); PubMed 30458289 (cited by Labcorp Genetics (formerly Invitae), Labcorp).